The following is an entry in ClinVar:

ClinVar aggregate classification (germline): Likely pathogenic (1 of 4 stars; one submission).

Conditions:
Ichthyosis linearis circumflexa. Identifiers: MedGen C0265962, MONDO:0043106, HP:0025810.

Allele frequency attached by ClinVar (database versions not stated): gnomAD 0.00001; ExAC 0.00002; 1000 Genomes Project 30x 0.00016; 1000 Genomes Project 0.00020.
gnomAD v4.1: 6 of 1,613,638 alleles (0.00037%); highest among the groups gnomAD compares: East Asian, 0.0089%; 1 homozygote.

Submission:

Labcorp Genetics (formerly Invitae), Labcorp
Classification: Likely pathogenic for Ichthyosis linearis circumflexa. Last evaluated: 2026-01-19. Review status: criteria provided, single submitter. Criteria: Invitae Variant Classification Sherloc (09022015). Collection method: clinical testing. Allele origin: germline.
Comment: This sequence change affects an acceptor splice site in intron 30 of the SPINK5 gene. It is expected to disrupt RNA splicing. Variants that disrupt the donor or acceptor splice site typically lead to a loss of protein function (PMID: 16199547), and loss-of-function variants in SPINK5 are known to be pathogenic (PMID: 11511292, 11841556). This variant is present in population databases (rs567566682, gnomAD 0.02%), including at least one homozygous and/or hemizygous individual. This variant has not been reported in the literature in individuals affected with SPINK5-related conditions. ClinVar contains an entry for this variant (Variation ID: 2198932). Algorithms developed to predict the effect of sequence changes on RNA splicing suggest that this variant may disrupt the consensus splice site. In summary, the currently available evidence indicates that the variant is pathogenic, but additional data are needed to prove that conclusively. Therefore, this variant has been classified as Likely Pathogenic.

Literature cited by the submitters: PubMed 16199547; PubMed 11511292; PubMed 11841556.

NM_006846.4(SPINK5):c.2965-1G>A

Gene: SPINK5 (serine peptidase inhibitor Kazal type 5; plus strand). Cytogenetic location: 5q32.
Variant type: single nucleotide variant.
Coding change: c.2965-1G>A on transcript NM_006846.4 (MANE Select); the canonical splice acceptor site of the intron before coding-DNA position 2965, G replaced by A.
Molecular consequence: splice acceptor variant.
Genome position (GRCh38, 1-based): chr5:148,131,258, G>A. VCF-style: chr5-148131258-G-A. GRCh37 (hg19) VCF-style: chr5-147510821-G-A.
Other names: c.3055-1G>A (NM_001127698.2).
Identifiers: ClinVar variation 2198932 (VCV002198932.4), dbSNP rs567566682, ClinGen allele CA3496212.